The following is an entry in ClinVar:

NC_000012.12:g.40491184A>C

Gene: MUC19 (mucin 19, oligomeric (gene/pseudogene); plus strand). Cytogenetic location: 12q12.
Variant type: single nucleotide variant.
Genome position: GRCh38 VCF-style: chr12-40491184-A-C. GRCh37 (hg19) VCF-style: chr12-40884986-A-C.
Identifiers: ClinVar variation 2642877 (VCV002642877.24), dbSNP rs368749839, ClinGen allele CA235380615.
Genomic context (GRCh38, chr12:40,491,184, plus strand): 5'-GACAGGAATAACTGGACTATCAGCTGGGGTGACAGGGAAGACTAGATCATCAGCTGGAGT[A>C]ACAGGGACAACTGGATTATCTGCAAAATCTGGGACAAGTATACCATCAGCTGGAAAAACA-3'

ClinVar aggregate classification (germline): Likely benign (1 of 4 stars; one submission).

Allele frequency attached by ClinVar (database versions not stated): gnomAD 0.00011; 1000 Genomes Project 30x 0.00094.

Submission:

CeGaT Center for Human Genetics Tuebingen
Classification: Likely benign. Last evaluated: 2022-03-01. Review status: criteria provided, single submitter. Criteria: CeGaT Center For Human Genetics Tuebingen Variant Classification Criteria Version 2. Collection method: clinical testing. Allele origin: germline. Affected: yes. Observed: 1 variant allele.
Comment: MUC19: BP4, BP7